The following is an entry in ClinVar:

ClinVar aggregate classification (germline): Uncertain significance. Review status: criteria provided, multiple submitters, no conflicts (2 of 4 stars). 5 submissions from 5 submitters: Uncertain significance (5). Last evaluated 2024-10-21.

Conditions:
Ataxia - oculomotor apraxia type 4. Identifiers: Orphanet 459033, MedGen C4225397, MONDO:0014557, OMIM 616267.
Charcot-Marie-Tooth disease type 2B2 (CMT2B2). Also called: Charcot-Marie-Tooth Neuropathy Type 2B2; CHARCOT-MARIE-TOOTH DISEASE, AXONAL, AUTOSOMAL RECESSIVE, TYPE 2B2; CHARCOT-MARIE-TOOTH DISEASE, AXONAL, TYPE 2B2; CHARCOT-MARIE-TOOTH DISEASE, NEURONAL, TYPE 2B2. Identifiers: Orphanet 101101, MedGen C1854150, MONDO:0011570, OMIM 605589.
Microcephaly, seizures, and developmental delay. Identifiers: Orphanet 1934, MedGen C3150667, MONDO:0013254, OMIM 613402.
Developmental and epileptic encephalopathy, 12 (DEE12). Identifiers: MedGen C3150988, MONDO:0013389, OMIM 613722.

Allele frequency attached by ClinVar (database versions not stated): gnomAD exomes 0.00002 and 0.00004; gnomAD 0.00003 and 0.00004; TOPMed 0.00003; ExAC 0.00005.

Submissions (5):

Labcorp Genetics (formerly Invitae), Labcorp
Classification: Uncertain significance for Developmental and epileptic encephalopathy, 12. Last evaluated: 2024-10-21. Review status: criteria provided, single submitter. Criteria: Invitae Variant Classification Sherloc (09022015). Collection method: clinical testing. Allele origin: germline.
Comment: This sequence change replaces histidine, which is basic and polar, with tyrosine, which is neutral and polar, at codon 393 of the PNKP protein (p.His393Tyr). This variant is present in population databases (rs772610025, gnomAD 0.009%). This variant has not been reported in the literature in individuals affected with PNKP-related conditions. ClinVar contains an entry for this variant (Variation ID: 194242). Invitae Evidence Modeling of protein sequence and biophysical properties (such as structural, functional, and spatial information, amino acid conservation, physicochemical variation, residue mobility, and thermodynamic stability) indicates that this missense variant is not expected to disrupt PNKP protein function with a negative predictive value of 80%. In summary, the available evidence is currently insufficient to determine the role of this variant in disease. Therefore, it has been classified as a Variant of Uncertain Significance.

Blueprint Genetics
Classification: Uncertain significance. Last evaluated: 2023-05-16. Review status: criteria provided, single submitter. Criteria: ACMG Guidelines, 2015. Collection method: clinical testing. Allele origin: germline.

Fulgent Genetics
Classification: Uncertain significance for Charcot-Marie-Tooth disease type 2B2; Microcephaly, seizures, and developmental delay; Ataxia - oculomotor apraxia type 4. Last evaluated: 2021-10-16. Review status: criteria provided, single submitter. Criteria: ACMG Guidelines, 2015. Collection method: clinical testing. Allele origin: unknown.

Mayo Clinic Laboratories, Mayo Clinic
Classification: Uncertain significance. Last evaluated: 2021-08-18. Review status: criteria provided, single submitter. Criteria: ACMG Guidelines, 2015. Collection method: clinical testing. Allele origin: germline.

Eurofins Ntd Llc (ga)
Classification: Uncertain significance. Last evaluated: 2015-03-20. Review status: criteria provided, single submitter. Criteria: EGL Classification Definitions 2015. Collection method: clinical testing. Allele origin: germline. Observed: 1 variant allele, 1 heterozygote.

NM_007254.4(PNKP):c.1177C>T (p.His393Tyr)

Gene: PNKP (polynucleotide kinase 3'-phosphatase; minus strand). Cytogenetic location: 19q13.33.
Variant type: single nucleotide variant.
Coding change: c.1177C>T on transcript NM_007254.4 (MANE Select); coding-DNA position 1177, C replaced by T.
Protein change: p.His393Tyr; replaces histidine 393 with tyrosine.
Molecular consequence: missense variant.
Genome position (GRCh38, 1-based): chr19:49,862,055, G>A on the plus strand (C>T on the coding strand, the complement: PNKP is on the minus strand). VCF-style: chr19-49862055-G-A. GRCh37 (hg19) VCF-style: chr19-50365312-G-A.
Other names: p.His393Tyr; short protein forms H393Y.
Identifiers: ClinVar variation 194242 (VCV000194242.18), dbSNP rs772610025, ClinGen allele CA240111.